The following is an entry in ClinVar:

NM_152617.4(RNF168):c.940G>T (p.Val314Phe)

Gene: RNF168 (ring finger protein 168; minus strand). Cytogenetic location: 3q29.
Variant type: single nucleotide variant.
Coding change: c.940G>T on transcript NM_152617.4 (MANE Select); coding-DNA position 940, G replaced by T.
Protein change: p.Val314Phe; replaces valine 314 with phenylalanine.
Molecular consequence: missense variant.
Genome position (GRCh38, 1-based): chr3:196,472,595, C>A on the plus strand (G>T on the coding strand, the complement: RNF168 is on the minus strand). VCF-style: chr3-196472595-C-A. GRCh37 (hg19) VCF-style: chr3-196199466-C-A.
Other names: short protein forms V314F.
Identifiers: ClinVar variation 1698193 (VCV001698193.5), dbSNP rs762133991, ClinGen allele CA355617961.
Genomic context (GRCh38, chr3:196,472,595, plus strand): 5'-TAGGTCGCTCGTGACTTAAGACACATAACTCTTTCCCATGATTGCTTGGTCTTGTTTTGA[C>A]GTTTCCTTCATGGTACCATTCGGCACCACAGGCACATAACCATGGCATAGGGGACTCTAT-3'
Protein context (NP_689830.2, residues 304-324): CGAEWYHEGN[Val314Phe]KTRPSNHGKE

ClinVar aggregate classification (germline): Uncertain significance. Review status: criteria provided, multiple submitters, no conflicts (2 of 4 stars). 2 submissions from 2 submitters: Uncertain significance (2). Last evaluated 2024-02-09.

Allele frequency attached by ClinVar (database versions not stated): TOPMed below 0.00001.
gnomAD v4.1: 15 of 1,614,234 alleles (0.00093%); highest among the groups gnomAD compares: Non-Finnish European, 0.0013%; no homozygotes.

Submissions (2):

Labcorp Genetics (formerly Invitae), Labcorp
Classification: Uncertain significance. Last evaluated: 2024-02-09. Review status: criteria provided, single submitter. Criteria: Invitae Variant Classification Sherloc (09022015). Collection method: clinical testing. Allele origin: germline.
Comment: This sequence change replaces valine, which is neutral and non-polar, with phenylalanine, which is neutral and non-polar, at codon 314 of the RNF168 protein (p.Val314Phe). This variant is not present in population databases (gnomAD no frequency). This variant has not been reported in the literature in individuals affected with RNF168-related conditions. ClinVar contains an entry for this variant (Variation ID: 1698193). An algorithm developed to predict the effect of missense changes on protein structure and function (PolyPhen-2) suggests that this variant is likely to be disruptive. In summary, the available evidence is currently insufficient to determine the role of this variant in disease. Therefore, it has been classified as a Variant of Uncertain Significance.

GeneDx
Classification: Uncertain significance. Last evaluated: 2022-01-21. Review status: criteria provided, single submitter. Criteria: GeneDx Variant Classification Process June 2021. Collection method: clinical testing. Allele origin: germline. Affected: yes.
Comment: Not observed at significant frequency in large population cohorts (gnomAD); In silico analysis supports that this missense variant does not alter protein structure/function; Has not been previously published as pathogenic or benign to our knowledge